The following is an entry in ClinVar:

ClinVar aggregate classification (germline): Uncertain significance (1 of 4 stars; one submission).

Submission:

Ambry Genetics
Classification: Uncertain significance. Last evaluated: 2026-07-19. Review status: criteria provided, single submitter. Criteria: Ambry Variant Classification Scheme 2023. Collection method: clinical testing. Allele origin: germline.
Comment: The p.F623I variant (also known as c.1867T>A), located in coding exon 14 of the RECQL gene, results from a T to A substitution at nucleotide position 1867. The phenylalanine at codon 623 is replaced by isoleucine, an amino acid with highly similar properties. This amino acid position is conserved. In addition, this alteration is predicted to be tolerated by in silico analysis. Based on the available evidence, the clinical significance of this variant remains unclear.

NM_002907.4(RECQL):c.1867T>A (p.Phe623Ile)

Genes: PYROXD1 (pyridine nucleotide-disulphide oxidoreductase domain 1; plus strand), RECQL (RecQ like helicase; minus strand). Cytogenetic location: 12p12.1.
Variant type: single nucleotide variant.
Coding change: c.1867T>A on transcript NM_002907.4 (MANE Select); coding-DNA position 1867, T replaced by A.
Protein change: p.Phe623Ile; replaces phenylalanine 623 with isoleucine.
Molecular consequence: missense variant. On other transcripts: 3 prime UTR variant (3).
Genome position (GRCh38, 1-based): chr12:21,470,277, A>T on the plus strand (T>A on the coding strand, the complement: RECQL is on the minus strand). VCF-style: chr12-21470277-A-T. GRCh37 (hg19) VCF-style: chr12-21623211-A-T.
Other names: c.1867T>A, p.Phe623Ile (NM_032941.3); c.*1523A>T (NM_001350912.2, NM_001350913.2, NM_024854.5); short protein forms F623I.
Identifiers: ClinVar variation 5028044 (VCV005028044.1).